The following is an entry in ClinVar:

ClinVar aggregate classification (germline): Uncertain significance (1 of 4 stars; one submission).

Submission:

Labcorp Genetics (formerly Invitae), Labcorp
Classification: Uncertain significance. Last evaluated: 2022-08-19. Review status: criteria provided, single submitter. Criteria: Invitae Variant Classification Sherloc (09022015). Collection method: clinical testing. Allele origin: germline.
Comment: In summary, the available evidence is currently insufficient to determine the role of this variant in disease. Therefore, it has been classified as a Variant of Uncertain Significance. Algorithms developed to predict the effect of missense changes on protein structure and function (SIFT, PolyPhen-2, Align-GVGD) all suggest that this variant is likely to be tolerated. This variant has not been reported in the literature in individuals affected with PYROXD1-related conditions. This variant is not present in population databases (gnomAD no frequency). This sequence change replaces proline, which is neutral and non-polar, with alanine, which is neutral and non-polar, at codon 325 of the PYROXD1 protein (p.Pro325Ala).

NM_024854.5(PYROXD1):c.973C>G (p.Pro325Ala)

Gene: PYROXD1 (pyridine nucleotide-disulphide oxidoreductase domain 1; plus strand). Cytogenetic location: 12p12.1.
Variant type: single nucleotide variant.
Coding change: c.973C>G on transcript NM_024854.5 (MANE Select); coding-DNA position 973, C replaced by G.
Protein change: p.Pro325Ala; replaces proline 325 with alanine.
Molecular consequence: missense variant.
Genome position (GRCh38, 1-based): chr12:21,462,100, C>G. VCF-style: chr12-21462100-C-G. GRCh37 (hg19) VCF-style: chr12-21615034-C-G.
Other names: c.760C>G, p.Pro254Ala (NM_001350912.2); c.196C>G, p.Pro66Ala (NM_001350913.2); short protein forms P254A, P325A, P66A.
Identifiers: ClinVar variation 1716832 (VCV001716832.5), dbSNP rs978306163, ClinGen allele CA233554246.